The following is an entry in ClinVar:

NM_022089.4(ATP13A2):c.706-14C>T

Gene: ATP13A2 (ATPase cation transporting 13A2; minus strand). Cytogenetic location: 1p36.13.
Variant type: single nucleotide variant.
Coding change: c.706-14C>T on transcript NM_022089.4 (MANE Select); 14 bases into the intron before coding-DNA position 706, C replaced by T.
Molecular consequence: intron variant.
Genome position (GRCh38, 1-based): chr1:17,000,548, G>A on the plus strand (C>T on the coding strand, the complement: ATP13A2 is on the minus strand). VCF-style: chr1-17000548-G-A. GRCh37 (hg19) VCF-style: chr1-17327043-G-A.
Other names: c.691-14C>T (NM_001141974.3, NM_001141973.3).
Identifiers: ClinVar variation 876418 (VCV000876418.13), dbSNP rs371532404, ClinGen allele CA637511.

ClinVar aggregate classification (germline): Benign/Likely benign. Review status: criteria provided, multiple submitters, no conflicts (2 of 4 stars). 4 submissions from 4 submitters: Benign (2); Likely benign (2). Last evaluated 2026-01-27.

Conditions:
Kufor-Rakeb syndrome (KRS). Also called: PARKINSON DISEASE 9, AUTOSOMAL RECESSIVE, JUVENILE-ONSET. Identifiers: Orphanet 306674, Orphanet 314632, MedGen C1847640, MONDO:0011706, OMIM 606693.
Autosomal recessive spastic paraplegia type 78. Identifiers: Orphanet 513436, MedGen C5567893, MONDO:0014975, OMIM 617225.

Allele frequency attached by ClinVar (database versions not stated): gnomAD exomes 0.00012 and 0.00033; ExAC 0.00045; 1000 Genomes Project 0.00060; 1000 Genomes Project 30x 0.00062; gnomAD 0.00115 and 0.00128; TOPMed 0.00141; ESP Exome Variant Server 0.00146.

Submissions (4):

Labcorp Genetics (formerly Invitae), Labcorp
Classification: Benign for Kufor-Rakeb syndrome; Autosomal recessive spastic paraplegia type 78. Last evaluated: 2026-01-27. Review status: criteria provided, single submitter. Criteria: Invitae Variant Classification Sherloc (09022015). Collection method: clinical testing. Allele origin: germline.

Blueprint Genetics
Classification: Likely benign. Last evaluated: 2024-11-18. Review status: criteria provided, single submitter. Criteria: ACMG Guidelines, 2015. Collection method: clinical testing. Allele origin: germline.

Women's Health and Genetics/Laboratory Corporation of America, LabCorp
Classification: Benign. Last evaluated: 2024-02-07. Review status: criteria provided, single submitter. Criteria: LabCorp Variant Classification Summary - May 2015. Collection method: clinical testing. Allele origin: germline.

Illumina Laboratory Services, Illumina
Classification: Likely benign for Kufor-Rakeb syndrome. Last evaluated: 2018-01-12. Review status: criteria provided, single submitter. Criteria: ICSL Variant Classification Criteria 13 December 2019. Collection method: clinical testing. Allele origin: germline.
Comment: This variant was observed in the ICSL laboratory as part of a predisposition screen in an ostensibly healthy population. It had not been previously curated by ICSL or reported in the Human Gene Mutation Database (HGMD: prior to June 1st, 2018), and was therefore a candidate for classification through an automated scoring system. Utilizing variant allele frequency, disease prevalence and penetrance estimates, and inheritance mode, an automated score was calculated to assess if this variant is too frequent to cause the disease. Based on the score and internal cut-off values, a variant classified as likely benign is not then subjected to further curation. The score for this variant resulted in a classification of likely benign for this disease.